The following is an entry in ClinVar:

NM_004239.4(TRIP11):c.1938_1941del (p.Arg647fs)

Gene: TRIP11 (thyroid hormone receptor interactor 11; minus strand). Cytogenetic location: 14q32.12.
Variant type: Microsatellite.
Coding change: c.1938_1941del on transcript NM_004239.4 (MANE Select); coding-DNA positions 1938 to 1941, 4 bases deleted (AAGA; older notation c.1938_1941delAAGA).
Protein change: p.Arg647fs; shifts the reading frame from arginine 647.
Molecular consequence: frameshift variant.
Genome position (GRCh38, 1-based): chr14:92,006,035-92,006,038, TCTT deleted on the plus strand (AAGA on the coding strand, the reverse complement: TRIP11 is on the minus strand); deleting any 4 consecutive bases within chr14:92,006,035-92,006,043 gives the same sequence; the c. name uses the placement nearest the transcript's 3' end. VCF-style (leftmost placement, unchanged base first): chr14-92006034-CTCTT-C. GRCh37 (hg19) VCF-style: chr14-92472378-CTCTT-C.
Other names: c.1938_1941delAAGA (NM_004239.4); c.1935_1938del, p.Arg646fs (NM_001321851.1); short protein forms R647fs, R646fs.
Identifiers: ClinVar variation 631722 (VCV000631722.18), dbSNP rs773312108, ClinGen allele CA7313855.

ClinVar aggregate classification (germline): Pathogenic. Review status: criteria provided, multiple submitters, no conflicts (2 of 4 stars). 4 submissions from 4 submitters: Pathogenic (4). Last evaluated 2026-09-01.

Conditions:
Achondrogenesis, type IA (ACG1A). Identifiers: Orphanet 932, Orphanet 93299, MedGen C0265273, MONDO:0008701, OMIM 200600.
Odontochondrodysplasia 1. Identifiers: Orphanet 166272, MedGen C5542277, MONDO:0100325, OMIM 184260.
TRIP11-related disorder. Also called: TRIP11-Related Disorders; TRIP11-related condition.

Submissions (4):

PreventionGenetics, part of Exact Sciences
Classification: Pathogenic for TRIP11-related condition. Last evaluated: 2026-09-01. Review status: criteria provided, single submitter. Criteria: ACMG Guidelines, 2015. Collection method: clinical testing. Allele origin: germline.
Comment: The TRIP11 c.1938_1941delAAGA variant is predicted to result in a frameshift and premature protein termination (p.Arg647Lysfs*7). This variant was reported in the compound heterozygous state in individuals with achondrogenesis type 1A (Medina et al. 2020. PubMed ID: 31903676; Zhang et al. 2021. PubMed ID: 34091931). This variant is reported in 0.0039% of alleles in individuals of European (Non-Finnish) descent in gnomAD. Frameshift variants in TRIP11 are expected to be pathogenic. This variant is interpreted as pathogenic.

Labcorp Genetics (formerly Invitae), Labcorp
Classification: Pathogenic for Achondrogenesis, type IA. Last evaluated: 2024-12-28. Review status: criteria provided, single submitter. Criteria: Invitae Variant Classification Sherloc (09022015). Collection method: clinical testing. Allele origin: germline.
Comment: This sequence change creates a premature translational stop signal (p.Arg647Lysfs*7) in the TRIP11 gene. It is expected to result in an absent or disrupted protein product. Loss-of-function variants in TRIP11 are known to be pathogenic (PMID: 20089971, 23956106). This variant is present in population databases (rs773312108, gnomAD 0.004%). This premature translational stop signal has been observed in individual(s) with achondrogenesis (PMID: 31903676). ClinVar contains an entry for this variant (Variation ID: 631722). For these reasons, this variant has been classified as Pathogenic.

Revvity Omics, Revvity
Classification: Pathogenic. Last evaluated: 2020-01-16. Review status: criteria provided, single submitter. Criteria: ACMG Guidelines, 2015. Collection method: clinical testing. Allele origin: germline.

Juno Genomics, Hangzhou Juno Genomics, Inc
Classification: Pathogenic for Achondrogenesis, type IA; Odontochondrodysplasia 1. Review status: criteria provided, single submitter. Criteria: ACMG Guidelines, 2015. Collection method: clinical testing. Allele origin: germline.
Comment: Absent from controls (or at extremely low frequency if recessive) in Genome Aggregation Database.;Null variant in a gene where loss of function (LOF) is a known mechanism of disease.;For recessive disorders, detected in trans with a pathogenic variant.

Literature cited by the submitters: PubMed 20089971 (cited by Labcorp Genetics (formerly Invitae), Labcorp); PubMed 23956106 (cited by Labcorp Genetics (formerly Invitae), Labcorp); PubMed 31903676 (cited by Labcorp Genetics (formerly Invitae), Labcorp).